The following is an entry in ClinVar:

NC_000016.9:g.(?_15737238)_(15820211_?)dup

Genes: MYH11 (myosin heavy chain 11; minus strand), NDE1 (nudE neurodevelopment protein 1; plus strand). Cytogenetic location: 16p13.11.
Variant type: Duplication.
Identifiers: ClinVar variation 4689373 (VCV004689373.1).

ClinVar aggregate classification (germline): Uncertain significance (1 of 4 stars; one submission).

Submission:

Women's Health and Genetics/Laboratory Corporation of America, LabCorp
Classification: Uncertain significance. Last evaluated: 2026-01-14. Review status: criteria provided, single submitter. Criteria: LabCorp Variant Classification Summary - May 2015. Collection method: clinical testing. Allele origin: germline.
Comment: Variant summary: The variant involves the duplication of exons 1-10 in the NDE1 gene. A presumed nomenclature of c.(?_-712)_(*2103_?)dup has been designated for the purposes of this classification. This duplication includes the entire coding sequence of the gene. As exact breakpoints are unknown, it may extend beyond the annotated region of the gene, to include other flanking genes. The duplication of the NDE1 gene in isolation was absent in in the gnomAD database (Structural Variants datasets). However, a large duplication variant (size: ~788 kb) which covers the NDE1 gene (together with several other flanking genes) was found at a frequency of 0.00088 in 124360 control chromosomes in the gnomAD database (Structural Variants v4.1 dataset). This recurrent copy number gain corresponds to the known chromosome 16p13.1 duplication that has been reported in the literature. To our knowledge, duplications confined to the NDE1 gene have not been reported in the literature. However, the 16p13.1 duplication (which includes the NDE1 gene) has been observed in several individuals affected with various disturbances of neurocognitive function, including developmental delay, intellectual disability/learning difficulties, behavioral abnormalities (e.g. autism and ADHD), and schizophrenia (e.g. Kushima_2018, Lopes_2019, Johnstone_2019, El Khattabi_2020, Hamad_2023, Xavier_2025); of note, the majority of patients have inherited this duplication from an apparently unaffected parent, suggesting a reduced penetrance/risk association for this large duplication. Publications also reported experimental evidence investigating the role of NDE1 in these phenotypes, and one study using a transgenic mouse model (bacterial artificial chromosome-transgenic mice carrying a human 16p13.11 locus) has shown that these mice had behavioral hyperactivity phenotype, however authors found that NDE1 overexpression didn't alter neurogenesis, while overexpression of miR-484 (a gene a located within the 5'-UTR of the of NDE1 gene) decreased proliferation and increased neural progenitor differentiation, and the effect of miR-484 on neurogenesis was rescued by ectopic PCDH19 expression (a target of miR-484) (Fujitani_2017). On the other hand, a later study using patient derived induced pluripotent stem cell models (differentiated into neuronal precursor cells (NPCs)), showed that the levels of NDE1 mRNA and protein was elevated and these cells, which showed reduced proliferation compared to controls; in addition, overexpression of NDE1 in NPCs derived from healthy controls (where the miR-484 sequence was not included) resulted in a significantly reduced proliferation, suggesting an important role of the NDE1 gene dosage (Johnstone 2019). The following publications have been ascertained in the context of this evaluation (PMID: 30208311, 31277718, 30287593, 36724812, 40749781, 27378146, 30401811). In conclusion, although isolated duplications of the NDE1 gene has not been reported, the duplication of NDE1 as a part of the 16p13.1 duplication might represent a risk allele / reduced penetrance variant for disturbances of neurocognitive function. Based on the evidence outlined above, the variant was classified as VUS-possibly pathogenic.

Literature cited by the submitters: PubMed 30208311; PubMed 30287593; PubMed 27378146; PubMed 36724812; PubMed 30401811; PubMed 31277718; PubMed 40749781.